The following is an entry in ClinVar:

ClinVar aggregate classification (germline): Uncertain significance (1 of 4 stars; one submission).

Conditions:
Bardet-Biedl syndrome (BBS). Identifiers: Orphanet 110, MedGen C0752166, MONDO:0015229.

Submission:

Labcorp Genetics (formerly Invitae), Labcorp
Classification: Uncertain significance for Bardet-Biedl syndrome. Last evaluated: 2024-05-29. Review status: criteria provided, single submitter. Criteria: Invitae Variant Classification Sherloc (09022015). Collection method: clinical testing. Allele origin: germline.
Comment: This sequence change replaces methionine, which is neutral and non-polar, with isoleucine, which is neutral and non-polar, at codon 155 of the BBS1 protein (p.Met155Ile). This variant is not present in population databases (gnomAD no frequency). This variant has not been reported in the literature in individuals affected with BBS1-related conditions. ClinVar contains an entry for this variant (Variation ID: 1716590). Advanced modeling of protein sequence and biophysical properties (such as structural, functional, and spatial information, amino acid conservation, physicochemical variation, residue mobility, and thermodynamic stability) performed at Invitae indicates that this missense variant is not expected to disrupt BBS1 protein function with a negative predictive value of 80%. In summary, the available evidence is currently insufficient to determine the role of this variant in disease. Therefore, it has been classified as a Variant of Uncertain Significance.

NM_024649.5(BBS1):c.465G>A (p.Met155Ile)

Gene: BBS1 (Bardet-Biedl syndrome 1; plus strand). Cytogenetic location: 11q13.2.
Variant type: single nucleotide variant.
Coding change: c.465G>A on transcript NM_024649.5 (MANE Select); coding-DNA position 465, G replaced by A.
Protein change: p.Met155Ile; replaces methionine 155 with isoleucine.
Molecular consequence: missense variant.
Genome position (GRCh38, 1-based): chr11:66,515,572, G>A. VCF-style: chr11-66515572-G-A. GRCh37 (hg19) VCF-style: chr11-66283043-G-A.
Other names: short protein forms M155I.
Identifiers: ClinVar variation 1716590 (VCV001716590.5), dbSNP rs2495739927, ClinGen allele CA381457354.
Genomic context (GRCh38, chr11:66,515,572, plus strand): 5'-CACAGGCTCTCTTCCCACATTGTCACAGGACCGAATCGACCCCTTAACCCTGAAGGAGAT[G>A]CTGGAGAGCATCCGGTGAGAGGCTGCCTTCCCCTTCATACCCCCCTCACTCCTTCATCCC-3'
Protein context (NP_078925.3, residues 145-165): DRIDPLTLKE[Met155Ile]LESIRETAEE